The following is an entry in ClinVar:

ClinVar aggregate classification (germline): Likely benign. Review status: criteria provided, multiple submitters, no conflicts (2 of 4 stars). 3 submissions from 3 submitters: Likely benign (3). Last evaluated 2025-11-01.

Allele frequency attached by ClinVar (database versions not stated): ExAC 0.00001; gnomAD exomes 0.00001; TOPMed 0.00011; gnomAD 0.00012.
gnomAD v4.1: 30 of 1,611,710 alleles (0.0019%); highest among the groups gnomAD compares: African/African-American, 0.039%; no homozygotes.

Submissions (3):

CeGaT Center for Human Genetics Tuebingen
Classification: Likely benign. Last evaluated: 2025-11-01. Review status: criteria provided, single submitter. Criteria: CeGaT Center For Human Genetics Tuebingen Variant Classification Criteria Version 2. Collection method: clinical testing. Allele origin: germline. Affected: yes. Observed: 1 variant allele.
Comment: VPS13D: BP4, BP7

Labcorp Genetics (formerly Invitae), Labcorp
Classification: Likely benign. Last evaluated: 2025-10-17. Review status: criteria provided, single submitter. Criteria: Invitae Variant Classification Sherloc (09022015). Collection method: clinical testing. Allele origin: germline.

Mayo Clinic Laboratories, Mayo Clinic
Classification: Likely benign. Last evaluated: 2025-09-23. Review status: criteria provided, single submitter. Criteria: ACMG Guidelines, 2015. Collection method: clinical testing. Allele origin: germline. Observed: 1 variant allele.
Comment: BP4, BP7

NM_015378.4(VPS13D):c.11499A>G (p.Leu3833=)

Gene: VPS13D (vacuolar protein sorting 13 homolog D; plus strand). Cytogenetic location: 1p36.22.
Variant type: single nucleotide variant.
Coding change: c.11499A>G on transcript NM_015378.4 (MANE Select); coding-DNA position 11499, A replaced by G.
Protein change: p.Leu3833=; no amino-acid change (leucine 3833 retained).
Molecular consequence: synonymous variant.
Genome position (GRCh38, 1-based): chr1:12,386,199, A>G. VCF-style: chr1-12386199-A-G. GRCh37 (hg19) VCF-style: chr1-12446258-A-G.
Other names: p.Leu3833=; c.11424A>G, p.Leu3808= (NM_018156.4).
Identifiers: ClinVar variation 2152507 (VCV002152507.10), dbSNP rs751473698, ClinGen allele CA603960.